The following is an entry in ClinVar:

ClinVar aggregate classification (germline): Uncertain significance (1 of 4 stars; one submission).

Conditions:
Encephalopathy, acute, infection-induced (herpes-specific), susceptibility to, 1. Also called: Herpes simplex encephalitis, susceptibility to, 1. Identifiers: Orphanet 1930, MedGen C2750180, MONDO:0024563, OMIM 610551.

Allele frequency attached by ClinVar (database versions not stated): gnomAD exomes 0.00001; TOPMed 0.00005.

Submission:

Labcorp Genetics (formerly Invitae), Labcorp
Classification: Uncertain significance for Encephalopathy, acute, infection-induced (herpes-specific), susceptibility to, 1. Last evaluated: 2019-09-09. Review status: criteria provided, single submitter. Criteria: Invitae Variant Classification Sherloc (09022015). Collection method: clinical testing. Allele origin: germline.
Comment: Algorithms developed to predict the effect of sequence changes on RNA splicing suggest that this variant may create or strengthen a splice site, but this prediction has not been confirmed by published transcriptional studies. In summary, the available evidence is currently insufficient to determine the role of this variant in disease. Therefore, it has been classified as a Variant of Uncertain Significance. Algorithms developed to predict the effect of missense changes on protein structure and function (SIFT, PolyPhen-2, Align-GVGD) all suggest that this variant is likely to be tolerated, but these predictions have not been confirmed by published functional studies and their clinical significance is uncertain. This variant has not been reported in the literature in individuals with UNC93B1-related conditions. The frequency data for this variant in the population databases is considered unreliable, as metrics indicate insufficient coverage at this position in the ExAC database. This sequence change replaces glycine with serine at codon 76 of the UNC93B1 protein (p.Gly76Ser). The glycine residue is weakly conserved and there is a small physicochemical difference between glycine and serine.

NM_030930.4(UNC93B1):c.226G>A (p.Gly76Ser)

Genes: UNC93B1 (unc-93B1 regulator of TLR signaling; minus strand), LOC130006235 (ATAC-STARR-seq lymphoblastoid silent region 3653; plus strand). Cytogenetic location: 11q13.2.
Variant type: single nucleotide variant.
Coding change: c.226G>A on transcript NM_030930.4 (MANE Select); coding-DNA position 226, G replaced by A.
Protein change: p.Gly76Ser; replaces glycine 76 with serine.
Molecular consequence: missense variant.
Genome position (GRCh38, 1-based): chr11:68,003,669, C>T on the plus strand (G>A on the coding strand, the complement: UNC93B1 is on the minus strand). VCF-style: chr11-68003669-C-T. GRCh37 (hg19) VCF-style: chr11-67771139-C-T.
Other names: short protein forms G76S.
Identifiers: ClinVar variation 957021 (VCV000957021.6), dbSNP rs1266485931, ClinGen allele CA381578783.
Genomic context (GRCh38, chr11:68,003,669, plus strand): 5'-CGGGCTGGGAGCGGGCGGGGCGGCCCCGGGTCCCCGAGCGGCACCTACCCAGGTAGACGC[C>T]GTAGGTGAGCATGCCCCCGGCGCTGGCAGCCAGCACGTTCTTGAGCACGCCCAGGCGCTT-3'
Protein context (NP_112192.2, residues 66-86): AASAGGMLTY[Gly76Ser]VYLGLLQMQL